The following is an entry in ClinVar:

ClinVar aggregate classification (germline): Uncertain significance. Review status: criteria provided, multiple submitters, no conflicts (2 of 4 stars). 2 submissions from 2 submitters: Uncertain significance (2). Last evaluated 2026-01-12.

Allele frequency attached by ClinVar (database versions not stated): ExAC 0.00002; TOPMed 0.00003; gnomAD 0.00007.
gnomAD v4.1: 66 of 1,612,112 alleles (0.0041%); highest among the groups gnomAD compares: Non-Finnish European, 0.0054%; no homozygotes.

Submissions (2):

Labcorp Genetics (formerly Invitae), Labcorp
Classification: Uncertain significance. Last evaluated: 2026-01-12. Review status: criteria provided, single submitter. Criteria: Invitae Variant Classification Sherloc (09022015). Collection method: clinical testing. Allele origin: germline.
Comment: This sequence change replaces isoleucine, which is neutral and non-polar, with threonine, which is neutral and polar, at codon 835 of the IARS protein (p.Ile835Thr). This variant is present in population databases (rs142654271, gnomAD 0.01%). This variant has not been reported in the literature in individuals affected with IARS-related conditions. ClinVar contains an entry for this variant (Variation ID: 2190313). An algorithm developed to predict the effect of missense changes on protein structure and function (PolyPhen-2) suggests that this variant is likely to be disruptive. In summary, the available evidence is currently insufficient to determine the role of this variant in disease. Therefore, it has been classified as a Variant of Uncertain Significance.

Ambry Genetics
Classification: Uncertain significance. Last evaluated: 2023-01-31. Review status: criteria provided, single submitter. Criteria: Ambry Variant Classification Scheme 2023. Collection method: clinical testing. Allele origin: germline.

NM_002161.6(IARS1):c.2504T>C (p.Ile835Thr)

Gene: IARS1 (isoleucyl-tRNA synthetase 1; minus strand). Cytogenetic location: 9q22.31.
Variant type: single nucleotide variant.
Coding change: c.2504T>C on transcript NM_002161.6 (MANE Select); coding-DNA position 2504, T replaced by C.
Protein change: p.Ile835Thr; replaces isoleucine 835 with threonine.
Molecular consequence: missense variant. On other transcripts: non-coding transcript variant (1).
Genome position (GRCh38, 1-based): chr9:92,250,215, A>G on the plus strand (T>C on the coding strand, the complement: IARS1 is on the minus strand). VCF-style: chr9-92250215-A-G. GRCh37 (hg19) VCF-style: chr9-95012497-A-G.
Other names: c.2429T>C, p.Ile810Thr (NM_001374299.1, NM_001374300.1, NM_001378584.1); c.2420T>C, p.Ile807Thr (NM_001374301.1); c.2567T>C, p.Ile856Thr (NM_001378569.1); c.2525T>C, p.Ile842Thr (NM_001378571.1); c.2504T>C, p.Ile835Thr (NM_001378572.1, NM_001378573.1, NM_001378574.1 and 9 more transcripts); c.2408T>C, p.Ile803Thr (NM_001378582.1); c.2381T>C, p.Ile794Thr (NM_001378583.1); c.2504T>C (NM_013417.2); short protein forms I794T, I807T, I842T, I856T, I835T, I803T, I810T.
Identifiers: ClinVar variation 2190313 (VCV002190313.5), dbSNP rs142654271, ClinGen allele CA5122190.